The following is an entry in ClinVar:

NM_000982.4(RPL21):c.355G>T (p.Ala119Ser)

Gene: RPL21 (ribosomal protein L21; plus strand). Cytogenetic location: 13q12.2.
Variant type: single nucleotide variant.
Coding change: c.355G>T on transcript NM_000982.4 (MANE Select); coding-DNA position 355, G replaced by T.
Protein change: p.Ala119Ser; replaces alanine 119 with serine.
Molecular consequence: missense variant.
Genome position (GRCh38, 1-based): chr13:27,256,296, G>T. VCF-style: chr13-27256296-G-T. GRCh37 (hg19) VCF-style: chr13-27830433-G-T.
Other names: short protein forms A119S.
Identifiers: ClinVar variation 2023111 (VCV002023111.4), dbSNP rs2541990595, ClinGen allele CA387625240.

ClinVar aggregate classification (germline): Uncertain significance (1 of 4 stars; one submission).

Submission:

Labcorp Genetics (formerly Invitae), Labcorp
Classification: Uncertain significance. Last evaluated: 2024-10-30. Review status: criteria provided, single submitter. Criteria: Invitae Variant Classification Sherloc (09022015). Collection method: clinical testing. Allele origin: germline.
Comment: This sequence change replaces alanine, which is neutral and non-polar, with serine, which is neutral and polar, at codon 119 of the RPL21 protein (p.Ala119Ser). This variant is not present in population databases (gnomAD no frequency). This variant has not been reported in the literature in individuals affected with RPL21-related conditions. ClinVar contains an entry for this variant (Variation ID: 2023111). An algorithm developed to predict the effect of missense changes on protein structure and function (PolyPhen-2) suggests that this variant is likely to be tolerated. In summary, the available evidence is currently insufficient to determine the role of this variant in disease. Therefore, it has been classified as a Variant of Uncertain Significance.